The following is an entry in ClinVar:

NM_001256715.2(DNAAF3):c.1580C>T (p.Ala527Val)

Gene: DNAAF3 (dynein axonemal assembly factor 3; minus strand). Cytogenetic location: 19q13.42.
Variant type: single nucleotide variant.
Coding change: c.1580C>T on transcript NM_001256715.2 (MANE Select); coding-DNA position 1580, C replaced by T.
Protein change: p.Ala527Val; replaces alanine 527 with valine.
Molecular consequence: missense variant.
Genome position (GRCh38, 1-based): chr19:55,159,108, G>A on the plus strand (C>T on the coding strand, the complement: DNAAF3 is on the minus strand). VCF-style: chr19-55159108-G-A. GRCh37 (hg19) VCF-style: chr19-55670476-G-A.
Other names: p.Ala594Val; c.1781C>T, p.Ala594Val (NM_001256714.1); c.1418C>T, p.Ala473Val (NM_001256716.2); c.1721C>T, p.Ala574Val (NM_178837.4); short protein forms A574V, A473V, A527V, A594V.
Identifiers: ClinVar variation 4542368 (VCV004542368.1).

ClinVar aggregate classification (germline): Uncertain significance (1 of 4 stars; one submission).

Submission:

Mayo Clinic Laboratories, Mayo Clinic
Classification: Uncertain significance. Last evaluated: 2025-07-23. Review status: criteria provided, single submitter. Criteria: ACMG Guidelines, 2015. Collection method: clinical testing. Allele origin: germline. Observed: 1 variant allele.
Comment: BP4_moderate, PM2_supporting